The following is an entry in ClinVar:

ClinVar aggregate classification (germline): Uncertain significance. Review status: criteria provided, multiple submitters, no conflicts (2 of 4 stars). 2 submissions from 2 submitters: Uncertain significance (2). Last evaluated 2026-05-14.

Conditions:
Hereditary cancer-predisposing syndrome. Also called: Hereditary Cancer Syndrome; Neoplastic Syndromes, Hereditary; Tumor predisposition; Hereditary neoplastic syndrome. Identifiers: Orphanet 140162, MedGen C0027672, MeSH D009386, MONDO:0015356.

Submissions (2):

Ambry Genetics
Classification: Uncertain significance for Hereditary cancer-predisposing syndrome. Last evaluated: 2026-05-14. Review status: criteria provided, single submitter. Criteria: Ambry Variant Classification Scheme 2023. Collection method: clinical testing. Allele origin: germline.
Comment: The p.P1095R variant (also known as c.3284C>G), located in coding exon 27 of the POLE gene, results from a C to G substitution at nucleotide position 3284. The proline at codon 1095 is replaced by arginine, an amino acid with dissimilar properties. This amino acid position is conserved. In addition, this alteration is predicted to be deleterious by in silico analysis. Based on the available evidence, the clinical significance of this variant remains unclear.

Labcorp Genetics (formerly Invitae), Labcorp
Classification: Uncertain significance. Last evaluated: 2022-01-27. Review status: criteria provided, single submitter. Criteria: Invitae Variant Classification Sherloc (09022015). Collection method: clinical testing. Allele origin: germline.
Comment: This sequence change replaces proline, which is neutral and non-polar, with arginine, which is basic and polar, at codon 1095 of the POLE protein (p.Pro1095Arg). In summary, the available evidence is currently insufficient to determine the role of this variant in disease. Therefore, it has been classified as a Variant of Uncertain Significance. Algorithms developed to predict the effect of missense changes on protein structure and function (SIFT, PolyPhen-2, Align-GVGD) all suggest that this variant is likely to be disruptive. ClinVar contains an entry for this variant (Variation ID: 955461). This variant has not been reported in the literature in individuals affected with POLE-related conditions. This variant is not present in population databases (gnomAD no frequency).

NM_006231.4(POLE):c.3284C>G (p.Pro1095Arg)

Gene: POLE (DNA polymerase epsilon, catalytic subunit; minus strand). Cytogenetic location: 12q24.33.
Variant type: single nucleotide variant.
Coding change: c.3284C>G on transcript NM_006231.4 (MANE Select); coding-DNA position 3284, C replaced by G.
Protein change: p.Pro1095Arg; replaces proline 1095 with arginine.
Molecular consequence: missense variant.
Genome position (GRCh38, 1-based): chr12:132,657,962, G>C on the plus strand (C>G on the coding strand, the complement: POLE is on the minus strand). VCF-style: chr12-132657962-G-C. GRCh37 (hg19) VCF-style: chr12-133234548-G-C.
Other names: c.3284C>G (NM_006231.2); short protein forms P1095R.
Identifiers: ClinVar variation 955461 (VCV000955461.10), dbSNP rs2042584061, ClinGen allele CA387389871.